The following is an entry in ClinVar:

NM_004260.4(RECQL4):c.1424_1425delinsCC (p.Gln475Pro)

Gene: RECQL4 (RecQ like helicase 4; minus strand). Cytogenetic location: 8q24.3.
Variant type: Indel.
Coding change: c.1424_1425delinsCC on transcript NM_004260.4 (MANE Select); coding-DNA positions 1424 to 1425, AG replaced by CC.
Protein change: p.Gln475Pro; replaces glutamine 475 with proline.
Molecular consequence: missense variant.
Genome position (GRCh38, 1-based): chr8:144,515,208-144,515,209, CT replaced by GG on the plus strand (AG replaced by CC on the coding strand, the reverse complement: RECQL4 is on the minus strand). VCF-style: chr8-144515208-CT-GG. GRCh37 (hg19) VCF-style: chr8-145740592-CT-GG.
Other names: short protein forms Q475P.
Identifiers: ClinVar variation 1041318 (VCV001041318.5), dbSNP rs1827982877, ClinGen allele CA1826368147.

ClinVar aggregate classification (germline): Uncertain significance (1 of 4 stars; one submission).

Conditions:
Baller-Gerold syndrome (BGS). Also called: CRANIOSYNOSTOSIS WITH RADIAL DEFECTS. Identifiers: Orphanet 1225, MedGen C0265308, MONDO:0009039, OMIM 218600.

Submission:

Labcorp Genetics (formerly Invitae), Labcorp
Classification: Uncertain significance for Baller-Gerold syndrome. Last evaluated: 2024-10-07. Review status: criteria provided, single submitter. Criteria: Invitae Variant Classification Sherloc (09022015). Collection method: clinical testing. Allele origin: germline.
Comment: This sequence change replaces glutamine, which is neutral and polar, with proline, which is neutral and non-polar, at codon 475 of the RECQL4 protein (p.Gln475Pro). Information on the frequency of this variant in the gnomAD database is not available, as this variant may be reported differently in the database. This variant has not been reported in the literature in individuals affected with RECQL4-related conditions. ClinVar contains an entry for this variant (Variation ID: 1041318). Experimental studies and prediction algorithms are not available or were not evaluated, and the functional significance of this variant is currently unknown. In summary, the available evidence is currently insufficient to determine the role of this variant in disease. Therefore, it has been classified as a Variant of Uncertain Significance.